The following is an entry in ClinVar:

NM_174936.4(PCSK9):c.1504-16C>T

Gene: PCSK9 (proprotein convertase subtilisin/kexin type 9; plus strand). Cytogenetic location: 1p32.3.
Variant type: single nucleotide variant.
Coding change: c.1504-16C>T on transcript NM_174936.4 (MANE Select); 16 bases into the intron before coding-DNA position 1504, C replaced by T.
Molecular consequence: intron variant.
Genome position (GRCh38, 1-based): chr1:55,059,470, C>T. VCF-style: chr1-55059470-C-T. GRCh37 (hg19) VCF-style: chr1-55525143-C-T.
Identifiers: ClinVar variation 36668 (VCV000036668.16), dbSNP rs28362269, ClinGen allele CA023132.

ClinVar aggregate classification (germline): Benign. Review status: criteria provided, multiple submitters, no conflicts (2 of 4 stars). 7 submissions from 7 submitters: Benign (7). Last evaluated 2026-02-03.

Conditions:
Familial hypercholesterolemia. Also called: Familial hypercholesterolaemia; Familial hypercholesterolemias. Identifiers: MedGen C0020445, MONDO:0005439.
Hypercholesterolemia, familial, 1. Also called: HYPERCHOLESTEROLEMIA, FAMILIAL, MODIFIER OF; LDL RECEPTOR DISORDER; Hyperlipoproteinemia Type IIa; HYPER-LOW-DENSITY-LIPOPROTEINEMIA; HYPERCHOLESTEROLEMIC XANTHOMATOSIS, FAMILIAL; Fredrickson type IIa hyperlipoproteinemia. Identifiers: Orphanet 391665, MedGen C0745103, MONDO:0007750, OMIM 143890.
Hypercholesterolemia, autosomal dominant, 3 (FHCL3). Also called: Familial hypercholesterolemia 3; PCSK9-Related Familial Hypercholesterolemia, Autosomal Dominant; Familial Hypercholesterolemia, Autosomal Dominant, 3. Identifiers: MedGen C1863551, MONDO:0011369, OMIM 603776.

Allele frequency attached by ClinVar (database versions not stated): ExAC 0.00798; gnomAD 0.01394 and 0.01510; 1000 Genomes Project 30x 0.01624; gnomAD exomes 0.00144 and 0.00331; ESP Exome Variant Server 0.01476; 1000 Genomes Project 0.01458; TOPMed 0.01556.
gnomAD v4.1: 4,200 of 1,556,858 alleles (0.27%); highest among the groups gnomAD compares: African/African-American, 5%; 88 homozygotes.

Submissions (7):

Labcorp Genetics (formerly Invitae), Labcorp
Classification: Benign for Hypercholesterolemia, autosomal dominant, 3. Last evaluated: 2026-02-03. Review status: criteria provided, single submitter. Criteria: Invitae Variant Classification Sherloc (09022015). Collection method: clinical testing. Allele origin: germline.

ARUP Laboratories, Molecular Genetics and Genomics, ARUP Laboratories
Classification: Benign. Last evaluated: 2024-11-04. Review status: criteria provided, single submitter. Criteria: ARUP Molecular Germline Variant Investigation Process 2024. Collection method: clinical testing. Allele origin: germline.

GENinCode PLC
Classification: Benign for Familial hypercholesterolemia. Last evaluated: 2023-02-21. Review status: criteria provided, single submitter. Criteria: ACMG Guidelines, 2015. Collection method: clinical testing. Allele origin: germline.

Color Diagnostics, LLC DBA Color Health
Classification: Benign for Familial hypercholesterolemias. Last evaluated: 2017-07-06. Review status: criteria provided, single submitter. Criteria: ACMG Guidelines, 2015. Collection method: clinical testing. Allele origin: germline.

GeneDx
Classification: Benign. Last evaluated: 2017-06-28. Review status: criteria provided, single submitter. Criteria: GeneDx Variant Classification (06012015). Collection method: clinical testing. Allele origin: germline. Affected: yes.
Comment: This variant is considered likely benign or benign based on one or more of the following criteria: it is a conservative change, it occurs at a poorly conserved position in the protein, it is predicted to be benign by multiple in silico algorithms, and/or has population frequency not consistent with disease.

Women's Health and Genetics/Laboratory Corporation of America, LabCorp
Classification: Benign for Familial Hypercholesterolemia. Last evaluated: 2011-08-18. Review status: criteria provided, single submitter. Criteria: LabCorp Variant Classification Summary - May 2015. Collection method: curation. Allele origin: germline. Inheritance: autosomal unknown. Affected: yes.
ClinVar note: Converted during submission from benign to Benign.

PreventionGenetics, part of Exact Sciences
Classification: Benign. Review status: criteria provided, single submitter. Criteria: ACMG Guidelines, 2015. Collection method: clinical testing. Allele origin: germline.